The following is an entry in ClinVar:

ClinVar aggregate classification (germline): Conflicting classifications of pathogenicity. Review status: criteria provided, conflicting classifications (1 of 4 stars). 2 submissions from 2 submitters: Uncertain significance (1); Likely benign (1). Last evaluated 2025-12-28.

Conditions:
Charcot-Marie-Tooth disease type 2. Also called: Charcot-Marie-Tooth type 2. Identifiers: Orphanet 64746, MedGen C0270914, MONDO:0018993.

Submissions (2):

Labcorp Genetics (formerly Invitae), Labcorp
Classification: Uncertain significance for Charcot-Marie-Tooth disease type 2. Last evaluated: 2025-12-28. Review status: criteria provided, single submitter. Criteria: Invitae Variant Classification Sherloc (09022015). Collection method: clinical testing. Allele origin: germline.
Comment: This sequence change falls in intron 6 of the AARS gene. It does not directly change the encoded amino acid sequence of the AARS protein. It affects a nucleotide within the consensus splice site. This variant is not present in population databases (gnomAD no frequency). This variant has not been reported in the literature in individuals affected with AARS-related conditions. ClinVar contains an entry for this variant (Variation ID: 2827657). Variants that disrupt the consensus splice site are a relatively common cause of aberrant splicing (PMID: 17576681, 9536098). Algorithms developed to predict the effect of sequence changes on RNA splicing suggest that this variant is not likely to affect RNA splicing. In summary, the available evidence is currently insufficient to determine the role of this variant in disease. Therefore, it has been classified as a Variant of Uncertain Significance.

Blueprint Genetics
Classification: Likely benign. Last evaluated: 2022-08-19. Review status: criteria provided, single submitter. Criteria: ACMG Guidelines, 2015. Collection method: clinical testing. Allele origin: germline.

Literature cited by the submitters: PubMed 17576681 (cited by Labcorp Genetics (formerly Invitae), Labcorp); PubMed 9536098 (cited by Labcorp Genetics (formerly Invitae), Labcorp).

NM_001605.3(AARS1):c.817-3T>C

Gene: AARS1 (alanyl-tRNA synthetase 1; minus strand). Cytogenetic location: 16q22.1.
Variant type: single nucleotide variant.
Coding change: c.817-3T>C on transcript NM_001605.3 (MANE Select); 3 bases into the intron before coding-DNA position 817, T replaced by C.
Molecular consequence: intron variant.
Genome position (GRCh38, 1-based): chr16:70,269,766, A>G on the plus strand (T>C on the coding strand, the complement: AARS1 is on the minus strand). VCF-style: chr16-70269766-A-G. GRCh37 (hg19) VCF-style: chr16-70303669-A-G.
Identifiers: ClinVar variation 2827657 (VCV002827657.4), dbSNP rs2507016956, ClinGen allele CA2739266873.